The following is an entry in ClinVar:

ClinVar aggregate classification (germline): Uncertain significance (1 of 4 stars; one submission).

Conditions:
Familial adenomatous polyposis 1 (FAP1). Also called: FAMILIAL ADENOMATOUS POLYPOSIS 1, ATTENUATED; POLYPOSIS, ADENOMATOUS INTESTINAL. Identifiers: MedGen C2713442, MONDO:0021056, OMIM 175100. Disease mechanism: loss of function.

Allele frequency attached by ClinVar (database versions not stated): gnomAD exomes 0.00001.
gnomAD v4.1: 10 of 1,370,292 alleles (0.00073%); highest among the groups gnomAD compares: Non-Finnish European, 0.00096%; no homozygotes.

Submission:

Labcorp Genetics (formerly Invitae), Labcorp
Classification: Uncertain significance for Familial adenomatous polyposis 1. Last evaluated: 2025-11-16. Review status: criteria provided, single submitter. Criteria: Invitae Variant Classification Sherloc (09022015). Collection method: clinical testing. Allele origin: germline.
Comment: This variant occurs in a non-coding region of the APC gene. It does not change the encoded amino acid sequence of the APC protein. This variant is not present in population databases (gnomAD no frequency). This variant has not been reported in the literature in individuals affected with APC-related conditions. Experimental studies and prediction algorithms are not available or were not evaluated, and the functional significance of this variant is currently unknown. In summary, the available evidence is currently insufficient to determine the role of this variant in disease. Therefore, it has been classified as a Variant of Uncertain Significance.

NM_001127511.3(APC):c.126C>T (p.Gly42=)

Gene: APC (APC regulator of Wnt signaling pathway; plus strand). Cytogenetic location: 5q22.2.
Variant type: single nucleotide variant.
Coding change: c.126C>T on transcript NM_001127511.3; coding-DNA position 126, C replaced by T.
Protein change: p.Gly42=; no amino-acid change (glycine 42 retained).
Molecular consequence: synonymous variant. On other transcripts: intron variant (5), 5 prime UTR variant (8), non-coding transcript variant (1).
Genome position (GRCh38, 1-based): chr5:112,707,843, C>T. VCF-style: chr5-112707843-C-T. GRCh37 (hg19) VCF-style: chr5-112043540-C-T.
Other names: c.-19+194C>T (NM_001407457.1, NM_001407458.1, NM_001407448.1 and 1 more transcripts); c.-43+194C>T (NM_001407453.1); c.-58C>T (NM_001354895.2, NM_001407447.1, NM_001407452.1 and 3 more transcripts); c.126C>T, p.Gly42= (NM_001354897.2, NM_001354902.2, NM_001407446.1); c.-1093C>T (NM_001407470.1, NM_001407472.1).
Identifiers: ClinVar variation 2985358 (VCV002985358.3), dbSNP rs2149631247, ClinGen allele CA2674864106.